The following is an entry in ClinVar:

NM_001005242.3(PKP2):c.674_675del (p.Ser225fs)

Gene: PKP2 (plakophilin 2; minus strand). Cytogenetic location: 12p11.21.
Variant type: Microsatellite.
Coding change: c.674_675del on transcript NM_001005242.3 (MANE Select); coding-DNA positions 674 to 675, 2 bases deleted (CT; older notation c.674_675delCT).
Protein change: p.Ser225fs; shifts the reading frame from serine 225.
Molecular consequence: frameshift variant.
Genome position (GRCh38, 1-based): chr12:32,878,205-32,878,206, AG deleted on the plus strand (CT on the coding strand, the reverse complement: PKP2 is on the minus strand); deleting any 2 consecutive bases within chr12:32,878,205-32,878,208 gives the same sequence; the c. name uses the placement nearest the transcript's 3' end. VCF-style (leftmost placement, unchanged base first): chr12-32878204-CAG-C. GRCh37 (hg19) VCF-style: chr12-33031138-CAG-C.
Other names: c.674_675delCT (NM_004572.3); c.674_675del, p.Ser225fs (NM_004572.4); short protein forms S225fs.
Identifiers: ClinVar variation 202014 (VCV000202014.1), dbSNP rs794729123, ClinGen allele CA012436.

ClinVar aggregate classification (germline): Pathogenic (1 of 4 stars; one submission).

Submission:

GeneDx
Classification: Pathogenic. Last evaluated: 2013-06-20. Review status: criteria provided, single submitter. Criteria: GeneDx Variant Classification (06012015). Collection method: clinical testing. Allele origin: germline. Affected: yes.
Comment: c.674_675delCT: p.Ser225CysfsX2. The normal sequence with the bases that are deleted in braces is: GGCT{CT}GTTA. The c.674_675delCT mutation in PKP2 causes a shift in reading frame starting at codon Serine225, changing it to a Cysteine, and creates a premature Stop codon at position 2 of the new reading frame. Although this mutation has not been reported previously to our knowledge, it is expected to result in an abnormal, truncated protein or in absence of protein from this allele due to mRNA decay. The variant is found in PKP2 panel(s).